The following is an entry in ClinVar:

NM_002230.4(JUP):c.1988G>A (p.Arg663His)

Gene: JUP (junction plakoglobin; minus strand). Cytogenetic location: 17q21.2.
Variant type: single nucleotide variant.
Coding change: c.1988G>A on transcript NM_002230.4 (MANE Select); coding-DNA position 1988, G replaced by A.
Protein change: p.Arg663His; replaces arginine 663 with histidine.
Molecular consequence: missense variant.
Genome position (GRCh38, 1-based): chr17:41,757,473, C>T on the plus strand (G>A on the coding strand, the complement: JUP is on the minus strand). VCF-style: chr17-41757473-C-T. GRCh37 (hg19) VCF-style: chr17-39913725-C-T.
Other names: c.1988G>A, p.Arg663His (NM_001352773.2, NM_001352774.2, NM_001352775.2 and 3 more transcripts); short protein forms R663H.
Identifiers: ClinVar variation 2136145 (VCV002136145.5), dbSNP rs1161280934, ClinGen allele CA399491856.

ClinVar aggregate classification (germline): Uncertain significance. Review status: criteria provided, multiple submitters, no conflicts (2 of 4 stars). 3 submissions from 3 submitters: Uncertain significance (3). Last evaluated 2025-07-14.

Conditions:
Cardiovascular phenotype. Identifiers: MedGen CN230736.
Arrhythmogenic right ventricular dysplasia 12. Also called: ARRHYTHMOGENIC RIGHT VENTRICULAR DYSPLASIA, FAMILIAL, 12. Identifiers: MedGen C1969081, MONDO:0012684, OMIM 611528.
Naxos disease (NXD). Also called: WOOLLY HAIR, PALMOPLANTAR KERATODERMA, AND CARDIAC ABNORMALITIES; CARDIOMYOPATHY, ARRHYTHMOGENIC RIGHT VENTRICULAR, WITH SKIN, HAIR, AND NAIL ABNORMALITIES; MAL DE NAXOS; PALMOPLANTAR KERATODERMA WITH ARRHYTHMOGENIC RIGHT VENTRICULAR CARDIOMYOPATHY AND WOOLLY HAIR; KERATOSIS PALMOPLANTARIS WITH ARRHYTHMOGENIC CARDIOMYOPATHY. Identifiers: Orphanet 34217, MedGen C1832600, MONDO:0011017, OMIM 601214.

Allele frequency attached by ClinVar (database versions not stated): gnomAD exomes below 0.00001; gnomAD 0.00001; TOPMed 0.00001.
gnomAD v4.1: 2 of 1,614,224 alleles (0.00012%); highest among the groups gnomAD compares: East Asian, 0.0022%; no homozygotes.

Submissions (3):

Labcorp Genetics (formerly Invitae), Labcorp
Classification: Uncertain significance for Arrhythmogenic right ventricular dysplasia 12; Naxos disease. Last evaluated: 2025-07-14. Review status: criteria provided, single submitter. Criteria: Invitae Variant Classification Sherloc (09022015). Collection method: clinical testing. Allele origin: germline.
Comment: This sequence change replaces arginine, which is basic and polar, with histidine, which is basic and polar, at codon 663 of the JUP protein (p.Arg663His). This variant is not present in population databases (gnomAD no frequency). This variant has not been reported in the literature in individuals affected with JUP-related conditions. ClinVar contains an entry for this variant (Variation ID: 2136145). An algorithm developed to predict the effect of missense changes on protein structure and function (PolyPhen-2) suggests that this variant is likely to be tolerated. In summary, the available evidence is currently insufficient to determine the role of this variant in disease. Therefore, it has been classified as a Variant of Uncertain Significance.

Ambry Genetics
Classification: Uncertain significance for Cardiovascular phenotype. Last evaluated: 2025-05-02. Review status: criteria provided, single submitter. Criteria: Ambry Variant Classification Scheme 2023. Collection method: clinical testing. Allele origin: germline.
Comment: The p.R663H variant (also known as c.1988G>A), located in coding exon 11 of the JUP gene, results from a G to A substitution at nucleotide position 1988. The arginine at codon 663 is replaced by histidine, an amino acid with highly similar properties. This amino acid position is conserved. In addition, the in silico prediction for this alteration is inconclusive. Based on the available evidence, the clinical significance of this variant remains unclear.

GeneDx
Classification: Uncertain significance. Last evaluated: 2024-08-04. Review status: criteria provided, single submitter. Criteria: GeneDx Variant Classification Process June 2021. Collection method: clinical testing. Allele origin: germline. Affected: yes.
Comment: Has not been previously published as pathogenic or benign to our knowledge; Not observed at significant frequency in large population cohorts (gnomAD); In silico analysis supports that this missense variant has a deleterious effect on protein structure/function